The following is an entry in ClinVar:

NM_002336.3(LRP6):c.4367G>C (p.Ser1456Thr)

Gene: LRP6 (LDL receptor related protein 6; minus strand). Cytogenetic location: 12p13.2.
Variant type: single nucleotide variant.
Coding change: c.4367G>C on transcript NM_002336.3 (MANE Select); coding-DNA position 4367, G replaced by C.
Protein change: p.Ser1456Thr; replaces serine 1456 with threonine.
Molecular consequence: missense variant. On other transcripts: non-coding transcript variant (1).
Genome position (GRCh38, 1-based): chr12:12,125,378, C>G on the plus strand (G>C on the coding strand, the complement: LRP6 is on the minus strand). VCF-style: chr12-12125378-C-G. GRCh37 (hg19) VCF-style: chr12-12278312-C-G.
Other names: c.4460G>C, p.Ser1487Thr (NM_001414244.1); c.4367G>C, p.Ser1456Thr (NM_001414245.1, NM_001414248.1, NM_001414249.1 and 1 more transcripts); c.4232G>C, p.Ser1411Thr (NM_001414246.1); c.4169G>C, p.Ser1390Thr (NM_001414247.1); c.4004G>C, p.Ser1335Thr (NM_001414251.1); c.3914G>C, p.Ser1305Thr (NM_001414252.1, NM_001414253.1, NM_001414254.1); c.3860G>C, p.Ser1287Thr (NM_001414255.1); short protein forms S1287T, S1305T, S1390T, S1456T, S1335T, S1411T, S1487T.
Identifiers: ClinVar variation 4099960 (VCV004099960.2).
Genomic context (GRCh38, chr12:12,125,378, plus strand): 5'-GTGCTTGAAGAACTACTTGATGATGCTCCTGTAACATGGGCTCGGTCATAGGGGGGTCCA[C>G]TGCTTCCCCCCATGATACTGAGGGAGCTGATCATTGATTTACCTCGAGACATTCCTAAAA-3'
Protein context (NP_002327.2, residues 1446-1466): ISSLSIMGGS[Ser1456Thr]GPPYDRAHVT

ClinVar aggregate classification (germline): Uncertain significance. Review status: criteria provided, multiple submitters, no conflicts (2 of 4 stars). 2 submissions from 2 submitters: Uncertain significance (2). Last evaluated 2025-07-18.

Conditions:
Inborn genetic diseases. Identifiers: MedGen C0950123, MeSH D030342.

gnomAD v4.1: 18 of 1,613,604 alleles (0.0011%); highest among the groups gnomAD compares: African/African-American, 0.021%; no homozygotes.

Submissions (2):

Labcorp Genetics (formerly Invitae), Labcorp
Classification: Uncertain significance. Last evaluated: 2025-07-18. Review status: criteria provided, single submitter. Criteria: Invitae Variant Classification Sherloc (09022015). Collection method: clinical testing. Allele origin: germline.
Comment: This sequence change replaces serine, which is neutral and polar, with threonine, which is neutral and polar, at codon 1456 of the LRP6 protein (p.Ser1456Thr). This variant is present in population databases (rs367658176, gnomAD 0.03%). This variant has not been reported in the literature in individuals affected with LRP6-related conditions. Invitae Evidence Modeling of protein sequence and biophysical properties (such as structural, functional, and spatial information, amino acid conservation, physicochemical variation, residue mobility, and thermodynamic stability) indicates that this missense variant is not expected to disrupt LRP6 protein function with a negative predictive value of 80%. In summary, the available evidence is currently insufficient to determine the role of this variant in disease. Therefore, it has been classified as a Variant of Uncertain Significance.

Ambry Genetics
Classification: Uncertain significance for Inborn genetic diseases. Last evaluated: 2025-06-29. Review status: criteria provided, single submitter. Criteria: Ambry Variant Classification Scheme 2023. Collection method: clinical testing. Allele origin: germline.